The following is an entry in ClinVar:

ClinVar aggregate classification (germline): Uncertain significance (1 of 4 stars; one submission).

Submission:

Women's Health and Genetics/Laboratory Corporation of America, LabCorp
Classification: Uncertain significance. Last evaluated: 2025-10-15. Review status: criteria provided, single submitter. Criteria: LabCorp Variant Classification Summary - May 2015. Collection method: clinical testing. Allele origin: germline.
Comment: Variant summary: CPS1 c.2170G>C (p.Ala724Pro) results in a non-conservative amino acid change in the encoded protein sequence. Algorithms developed to predict the effect of missense changes on protein structure and function all suggest that this variant is likely to be disruptive. The variant was absent in 250112 control chromosomes. The available data on variant occurrences in the general population are insufficient to allow any conclusion about variant significance. c.2170G>C has been observed in a study for evaluation of Carbamoylphosphate Synthetase I Deficiency in the CPS1 gene (Haberle_2011). These report(s) do not provide unequivocal conclusions about association of the variant with Carbamoylphosphate Synthetase I Deficiency. To our knowledge, no experimental evidence demonstrating an impact on protein function has been reported. The following publication have been ascertained in the context of this evaluation (PMID: 21120950). No submitters have cited clinical-significance assessments for this variant to ClinVar. Based on the evidence outlined above, the variant was classified as uncertain significance.

Literature cited by the submitters: PubMed 21120950.

NM_001875.5(CPS1):c.2170G>C (p.Ala724Pro)

Gene: CPS1 (carbamoyl-phosphate synthase 1; plus strand). Cytogenetic location: 2q34.
Variant type: single nucleotide variant.
Coding change: c.2170G>C on transcript NM_001875.5 (MANE Select); coding-DNA position 2170, G replaced by C.
Protein change: p.Ala724Pro; replaces alanine 724 with proline.
Molecular consequence: missense variant. On other transcripts: non-coding transcript variant (2).
Genome position (GRCh38, 1-based): chr2:210,606,919, G>C. VCF-style: chr2-210606919-G-C. GRCh37 (hg19) VCF-style: chr2-211471643-G-C.
Other names: c.2170G>C, p.Ala724Pro (NM_001122633.3, NM_001369257.1); c.2203G>C, p.Ala735Pro (NM_001369256.1); short protein forms A724P, A735P.
Identifiers: ClinVar variation 4687267 (VCV004687267.1).